The following is an entry in ClinVar:

ClinVar aggregate classification (germline): Benign. Review status: criteria provided, single submitter (1 of 4 stars). 2 submissions from 2 submitters: Benign (1). 1 of the submissions does not count toward it. Last evaluated 2025-12-23.

Conditions:
CPE-related disorder. Also called: CPE-related condition.

Allele frequency attached by ClinVar (database versions not stated): gnomAD exomes 0.00051 and 0.00128; ExAC 0.00162; gnomAD 0.00505 and 0.00537; TOPMed 0.00549; 1000 Genomes Project 0.00579; 1000 Genomes Project 30x 0.00609; ESP Exome Variant Server 0.00661.
gnomAD v4.1: 1,541 of 1,612,980 alleles (0.096%); highest among the groups gnomAD compares: African/African-American, 1.8%; 13 homozygotes.

Submissions (2):

Labcorp Genetics (formerly Invitae), Labcorp
Classification: Benign. Last evaluated: 2025-12-23. Review status: criteria provided, single submitter. Criteria: Invitae Variant Classification Sherloc (09022015). Collection method: clinical testing. Allele origin: germline.

PreventionGenetics, part of Exact Sciences
Classification: Benign for CPE-related condition. Last evaluated: 2019-06-11. Review status: no assertion criteria provided. Collection method: clinical testing. Allele origin: germline. Not counted in ClinVar's aggregate classification.
Comment: This variant is classified as benign based on ACMG/AMP sequence variant interpretation guidelines (Richards et al. 2015 PMID: 25741868, with internal and published modifications).

NM_001873.4(CPE):c.672+6G>A

Gene: CPE (carboxypeptidase E; plus strand). Cytogenetic location: 4q32.3.
Variant type: single nucleotide variant.
Coding change: c.672+6G>A on transcript NM_001873.4 (MANE Select); 6 bases into the intron after coding-DNA position 672, G replaced by A.
Molecular consequence: intron variant.
Genome position (GRCh38, 1-based): chr4:165,467,861, G>A. VCF-style: chr4-165467861-G-A. GRCh37 (hg19) VCF-style: chr4-166389013-G-A.
Other names: c.672+6G>A (NM_001873.3).
Identifiers: ClinVar variation 1533547 (VCV001533547.10), dbSNP rs59371445, ClinGen allele CA3130233.